The following is an entry in ClinVar:

ClinVar aggregate classification (germline): Likely benign (1 of 4 stars; one submission).

Allele frequency attached by ClinVar (database versions not stated): gnomAD below 0.00001 and 0.00001; gnomAD exomes below 0.00001.
gnomAD v4.1: 8 of 1,592,052 alleles (0.0005%); highest among the groups gnomAD compares: South Asian, 0.0092%; no homozygotes.

Submission:

GeneDx
Classification: Likely benign. Last evaluated: 2017-11-28. Review status: criteria provided, single submitter. Criteria: GeneDx Variant Classification (06012015). Collection method: clinical testing. Allele origin: germline. Affected: yes.
Comment: This variant is considered likely benign or benign based on one or more of the following criteria: it is a conservative change, it occurs at a poorly conserved position in the protein, it is predicted to be benign by multiple in silico algorithms, and/or has population frequency not consistent with disease.

NM_019040.5(ELP4):c.927+5G>T

Gene: ELP4 (elongator acetyltransferase complex subunit 4; plus strand). Cytogenetic location: 11p13.
Variant type: single nucleotide variant.
Coding change: c.927+5G>T on transcript NM_019040.5 (MANE Select); 5 bases into the intron after coding-DNA position 927, G replaced by T.
Molecular consequence: intron variant.
Genome position (GRCh38, 1-based): chr11:31,632,410, G>T. VCF-style: chr11-31632410-G-T. GRCh37 (hg19) VCF-style: chr11-31653957-G-T.
Other names: c.930+5G>T (NM_001288725.2); c.927+5G>T (NM_001288726.2).
Identifiers: ClinVar variation 513673 (VCV000513673.1), dbSNP rs1554966107, ClinGen allele CA658797605.